The following is an entry in ClinVar:

ClinVar aggregate classification (germline): Uncertain significance. Review status: criteria provided, multiple submitters, no conflicts (2 of 4 stars). 2 submissions from 2 submitters: Uncertain significance (2). Last evaluated 2026-09-02.

gnomAD v4.1: 1 of 1,614,034 alleles (0.000062%); highest among the groups gnomAD compares: Non-Finnish European, 0.000085%; no homozygotes.

Submissions (2):

GeneDx
Classification: Uncertain significance. Last evaluated: 2026-09-02. Review status: criteria provided, single submitter. Criteria: GeneDx Variant Classification Process June 2021. Collection method: clinical testing. Allele origin: germline.
Comment: Not observed at significant frequency in large population cohorts (gnomAD); In silico analysis suggests that this missense variant does not alter protein structure/function; Has not been previously published as pathogenic or benign to our knowledge; This variant is associated with the following publications: (PMID: 28545555)

Labcorp Genetics (formerly Invitae), Labcorp
Classification: Uncertain significance. Last evaluated: 2024-01-08. Review status: criteria provided, single submitter. Criteria: Invitae Variant Classification Sherloc (09022015). Collection method: clinical testing. Allele origin: germline.
Comment: This sequence change replaces histidine, which is basic and polar, with tyrosine, which is neutral and polar, at codon 530 of the SAMD9 protein (p.His530Tyr). This variant is not present in population databases (gnomAD no frequency). This variant has not been reported in the literature in individuals affected with SAMD9-related conditions. ClinVar contains an entry for this variant (Variation ID: 1382794). Advanced modeling of protein sequence and biophysical properties (such as structural, functional, and spatial information, amino acid conservation, physicochemical variation, residue mobility, and thermodynamic stability) performed at Invitae indicates that this missense variant is not expected to disrupt SAMD9 protein function with a negative predictive value of 95%. In summary, the available evidence is currently insufficient to determine the role of this variant in disease. Therefore, it has been classified as a Variant of Uncertain Significance.

NM_017654.4(SAMD9):c.1588C>T (p.His530Tyr)

Gene: SAMD9 (sterile alpha motif domain containing 9; minus strand). Cytogenetic location: 7q21.2.
Variant type: single nucleotide variant.
Coding change: c.1588C>T on transcript NM_017654.4 (MANE Select); coding-DNA position 1588, C replaced by T.
Protein change: p.His530Tyr; replaces histidine 530 with tyrosine.
Molecular consequence: missense variant.
Genome position (GRCh38, 1-based): chr7:93,104,510, G>A on the plus strand (C>T on the coding strand, the complement: SAMD9 is on the minus strand). VCF-style: chr7-93104510-G-A. GRCh37 (hg19) VCF-style: chr7-92733823-G-A.
Other names: c.1588C>T, p.His530Tyr (NM_001193307.2); c.1588C>T (NM_017654.3); short protein forms H530Y.
Identifiers: ClinVar variation 1382794 (VCV001382794.8), dbSNP rs2116419618, ClinGen allele CA368195743.